The following is an entry in ClinVar:

ClinVar aggregate classification (germline): Uncertain significance (1 of 4 stars; one submission).

Conditions:
Cardiovascular phenotype. Identifiers: MedGen CN230736.

Allele frequency attached by ClinVar (database versions not stated): gnomAD exomes below 0.00001; gnomAD 0.00001; TOPMed 0.00001.
gnomAD v4.1: 2 of 1,547,728 alleles (0.00013%); highest among the groups gnomAD compares: Non-Finnish European, 0.00017%; no homozygotes.

Submission:

Ambry Genetics
Classification: Uncertain significance for Cardiovascular phenotype. Last evaluated: 2021-06-23. Review status: criteria provided, single submitter. Criteria: Ambry Variant Classification Scheme 2023. Collection method: clinical testing. Allele origin: germline.
Comment: The p.P2966A variant (also known as c.8896C>G), located in coding exon 2 of the ZNF469 gene, results from a C to G substitution at nucleotide position 8896. The proline at codon 2966 is replaced by alanine, an amino acid with highly similar properties. This amino acid position is conserved. In addition, this alteration is predicted to be tolerated by in silico analysis. Since supporting evidence is limited at this time, the clinical significance of this alteration remains unclear.

NM_001367624.2(ZNF469):c.8980C>G (p.Pro2994Ala)

Gene: ZNF469 (zinc finger protein 469; plus strand). Cytogenetic location: 16q24.2.
Variant type: single nucleotide variant.
Coding change: c.8980C>G on transcript NM_001367624.2 (MANE Select); coding-DNA position 8980, C replaced by G.
Protein change: p.Pro2994Ala; replaces proline 2994 with alanine.
Molecular consequence: missense variant.
Genome position (GRCh38, 1-based): chr16:88,436,450, C>G. VCF-style: chr16-88436450-C-G. GRCh37 (hg19) VCF-style: chr16-88502858-C-G.
Other names: NM_001127464.1:c.8896C>G; short protein forms P2994A.
Identifiers: ClinVar variation 1765011 (VCV001765011.2), dbSNP rs1906580339, ClinGen allele CA397119998.
Genomic context (GRCh38, chr16:88,436,450, plus strand): 5'-CTGCCCTCCCACTGCCCCGAGGACGATCGGCCGGAGGCCATTCCTGAGCTGCACATGGTC[C>G]CAGCGGCTTGGCGAGGCCTGGAGATGCCGGCCCCTGCCGATGACTCCTCCTCTTCTCTCG-3'
Protein context (NP_001354553.1, residues 2984-3004): PEAIPELHMV[Pro2994Ala]AAWRGLEMPA